The following is an entry in ClinVar:

NM_000369.5(TSHR):c.1264T>C (p.Trp422Arg)

Genes: TSHR (thyroid stimulating hormone receptor; plus strand), TSHR-AS1 (TSHR antisense RNA 1; minus strand). Cytogenetic location: 14q31.1.
Variant type: single nucleotide variant.
Coding change: c.1264T>C on transcript NM_000369.5 (MANE Select); coding-DNA position 1264, T replaced by C.
Protein change: p.Trp422Arg; replaces tryptophan 422 with arginine.
Molecular consequence: missense variant.
Genome position (GRCh38, 1-based): chr14:81,143,322, T>C. VCF-style: chr14-81143322-T-C. GRCh37 (hg19) VCF-style: chr14-81609666-T-C.
Other names: short protein forms W422R.
Identifiers: ClinVar variation 2571680 (VCV002571680.3), dbSNP rs746029360, ClinGen allele CA7294420.

ClinVar aggregate classification (germline): Uncertain significance (1 of 4 stars; one submission).

Allele frequency attached by ClinVar (database versions not stated): gnomAD 0.00001; gnomAD exomes 0.00001; ExAC 0.00002; TOPMed 0.00003.
gnomAD v4.1: 5 of 1,614,090 alleles (0.00031%); highest among the groups gnomAD compares: Admixed American, 0.0067%; no homozygotes.

Submission:

GeneDx
Classification: Uncertain significance. Last evaluated: 2023-09-01. Review status: criteria provided, single submitter. Criteria: GeneDx Variant Classification Process June 2021. Collection method: clinical testing. Allele origin: germline. Affected: yes.
Comment: Reported along with a second variant in the TSHR gene in a patient with thyroid agenesis in the published literature; however, segregation information was not provided (Alcntara-Ortigoza et al., 2021); In silico analysis supports that this missense variant has a deleterious effect on protein structure/function; This variant is associated with the following publications: (PMID: 34070861)